The following is an entry in ClinVar:

NM_001184.4(ATR):c.5302G>C (p.Asp1768His)

Gene: ATR (ATR serine/threonine kinase; minus strand). Cytogenetic location: 3q23.
Variant type: single nucleotide variant.
Coding change: c.5302G>C on transcript NM_001184.4 (MANE Select); coding-DNA position 5302, G replaced by C.
Protein change: p.Asp1768His; replaces aspartic acid 1768 with histidine.
Molecular consequence: missense variant.
Genome position (GRCh38, 1-based): chr3:142,499,705, C>G on the plus strand (G>C on the coding strand, the complement: ATR is on the minus strand). VCF-style: chr3-142499705-C-G. GRCh37 (hg19) VCF-style: chr3-142218547-C-G.
Other names: c.5110G>C, p.Asp1704His (NM_001354579.2); short protein forms D1704H, D1768H.
Identifiers: ClinVar variation 3331956 (VCV003331956.1).
Genomic context (GRCh38, chr3:142,499,705, plus strand): 5'-CCACCAAATCCCACTGTGACAATTTCCAAGCTGCTTCCACTCTGTACGTGTTTAATTCAT[C>G]TGTCCACTCGGACCTATTAAAAGAAACCCATATCAACTAAACTTTAATTTATTTAAGGTG-3'
Protein context (NP_001175.2, residues 1758-1778): GVHANRSEWT[Asp1768His]ELNTYRVEAA

ClinVar aggregate classification (germline): Uncertain significance (1 of 4 stars; one submission).

Conditions:
Inborn genetic diseases. Identifiers: MedGen C0950123, MeSH D030342.

gnomAD v4.1: 1 of 1,614,118 alleles (0.000062%); highest among the groups gnomAD compares: African/African-American, 0.0013%; no homozygotes.

Submission:

Ambry Genetics
Classification: Uncertain significance for Inborn genetic diseases. Last evaluated: 2024-05-18. Review status: criteria provided, single submitter. Criteria: Ambry Variant Classification Scheme 2023. Collection method: clinical testing. Allele origin: germline.
Comment: The p.D1768H variant (also known as c.5302G>C), located in coding exon 31 of the ATR gene, results from a G to C substitution at nucleotide position 5302. The aspartic acid at codon 1768 is replaced by histidine, an amino acid with similar properties. This amino acid position is conserved. In addition, this alteration is predicted to be tolerated by in silico analysis. Based on the available evidence, the clinical significance of this variant remains unclear.